The following is an entry in ClinVar:

ClinVar aggregate classification (germline): Pathogenic/Likely pathogenic. Review status: criteria provided, multiple submitters, no conflicts (2 of 4 stars). 3 submissions from 3 submitters: Pathogenic (1); Likely pathogenic (1). 1 of the submissions does not count toward it. Last evaluated 2026-02-15.

Conditions:
ANKRD11-related disorder. Also called: ANKRD11-related condition.
KBG syndrome (KBGS). Also called: ANKRD11-Related KBG Syndrome. Identifiers: Orphanet 2332, MedGen C0220687, MONDO:0007846, OMIM 148050.

Submissions (3):

GeneDx
Classification: Pathogenic. Last evaluated: 2026-02-15. Review status: criteria provided, single submitter. Criteria: GeneDx Variant Classification Process June 2021. Collection method: clinical testing. Allele origin: germline. Affected: yes.
Comment: Reported in a proband with short stature, growth hormone deficiency, unossified sacrum, and short ribs (PMID: 34006472); Frameshift variant predicted to result in protein truncation or nonsense mediated decay in a gene for which loss of function is a known mechanism of disease; Not observed at significant frequency in large population cohorts (gnomAD); This variant is associated with the following publications: (PMID: 33057194, 35982159, 36440975, 34006472)

Blueprint Genetics
Classification: Likely pathogenic for ANKRD11-related disorders. Last evaluated: 2024-02-27. Review status: criteria provided, single submitter. Criteria: ACMG Guidelines, 2015. Collection method: clinical testing. Allele origin: germline. Affected: yes. Observed: 1 variant allele.

Beijing Key Laboratory for Genetic Research of Skeletal Deformity, Peking Union Medical College Hospital
Classification: Pathogenic for KBG syndrome. Last evaluated: 2019-05-31. Review status: no assertion criteria provided. Collection method: research. Allele origin: unknown. Affected: yes. Not counted in ClinVar's aggregate classification.

NM_013275.6(ANKRD11):c.3309del (p.Asp1104fs)

Gene: ANKRD11 (ankyrin repeat domain 11; minus strand). Cytogenetic location: 16q24.3.
Variant type: Deletion.
Coding change: c.3309del on transcript NM_013275.6 (MANE Select); coding-DNA position 3309, one base deleted (A; older notation c.3309delA).
Protein change: p.Asp1104fs; shifts the reading frame from aspartic acid 1104.
Molecular consequence: frameshift variant.
Genome position (GRCh38, 1-based): chr16:89,283,233, T deleted on the plus strand (A on the coding strand, the reverse complement: ANKRD11 is on the minus strand); the first of 8 consecutive T bases (chr16:89,283,233-89,283,240); deleting any one gives the same sequence. VCF-style (leftmost placement, unchanged base first): chr16-89283232-CT-C. GRCh37 (hg19) VCF-style: chr16-89349640-CT-C.
Other names: c.3309del (NM_013275.5); c.3309del, p.Asp1104fs (NM_001256182.2, NM_001256183.2); c.3309delA (NM_013275.5); short protein forms D1104fs.
Identifiers: ClinVar variation 424134 (VCV000424134.5), dbSNP rs772267579, ClinGen allele CA16620306.